The following is an entry in ClinVar:

NM_001391958.1(NLRP10):c.217G>A (p.Val73Ile)

Gene: NLRP10 (NLR family pyrin domain containing 10; minus strand). Cytogenetic location: 11p15.4.
Variant type: single nucleotide variant.
Coding change: c.217G>A on transcript NM_001391958.1 (MANE Select); coding-DNA position 217, G replaced by A.
Protein change: p.Val73Ile; replaces valine 73 with isoleucine.
Molecular consequence: missense variant.
Genome position (GRCh38, 1-based): chr11:7,963,279, C>T on the plus strand (G>A on the coding strand, the complement: NLRP10 is on the minus strand). VCF-style: chr11-7963279-C-T. GRCh37 (hg19) VCF-style: chr11-7984826-C-T.
Other names: c.217G>A, p.Val73Ile (NM_176821.4); short protein forms V73I.
Identifiers: ClinVar variation 103337 (VCV000103337.2), dbSNP rs199475853, ClinGen allele CA230437.
Genomic context (GRCh38, chr11:7,963,279, plus strand): 5'-TATGGCTGAGCTGGTCCACAAGTTCCAACAGGTTCATGACCTTCAAGCCCTTGAGGACAA[C>T]TTTCACAGCCTCCTTTTCTCCATACTTTGAAATCAGTAATTCTGCCAGGTCCACCGGAAT-3'
Protein context (NP_001378887.1, residues 63-83): SKYGEKEAVK[Val73Ile]VLKGLKVMNL

ClinVar aggregate classification (germline): not provided (0 of 4 stars; one submission).

Allele frequency attached by ClinVar (database versions not stated): gnomAD exomes 0.00002 and 0.00004; ExAC 0.00003; TOPMed 0.00014; gnomAD 0.00016.

Submission:

Human Evolutionary Genetics, Institut Pasteur
No classification provided. Review status: no classification provided. Collection method: not provided. Allele origin: germline.
ClinVar note: Converted during submission from untested to not provided.